The following is an entry in ClinVar:

ClinVar aggregate classification (germline): Pathogenic (1 of 4 stars; one submission).

Conditions:
Citrin deficiency. Identifiers: Orphanet 247582, MedGen C1997910, MONDO:0016602.

Submission:

Labcorp Genetics (formerly Invitae), Labcorp
Classification: Pathogenic for Citrin deficiency. Last evaluated: 2022-10-05. Review status: criteria provided, single submitter. Criteria: Invitae Variant Classification Sherloc (09022015). Collection method: clinical testing. Allele origin: germline.
Comment: ClinVar contains an entry for this variant (Variation ID: 1351050). For these reasons, this variant has been classified as Pathogenic. This variant has not been reported in the literature in individuals affected with SLC25A13-related conditions. This variant is not present in population databases (gnomAD no frequency). This sequence change creates a premature translational stop signal (p.Leu548Argfs*17) in the SLC25A13 gene. It is expected to result in an absent or disrupted protein product. Loss-of-function variants in SLC25A13 are known to be pathogenic (PMID: 10369257, 14680984, 27405544).

Literature cited by the submitters: PubMed 10369257; PubMed 14680984; PubMed 27405544.

NM_014251.3(SLC25A13):c.1633_1637dup (p.Leu548fs)

Gene: SLC25A13 (solute carrier family 25 member 13; minus strand). Cytogenetic location: 7q21.3.
Variant type: Duplication.
Coding change: c.1633_1637dup on transcript NM_014251.3 (MANE Select); coding-DNA positions 1633 to 1637, 5 bases duplicated (AAGAC; older notation c.1633_1637dupAAGAC).
Protein change: p.Leu548fs; shifts the reading frame from leucine 548.
Molecular consequence: frameshift variant. On other transcripts: non-coding transcript variant (1).
Genome position (GRCh38, 1-based): chr7:96,121,952-96,121,956, GTCTT duplicated on the plus strand (AAGAC on the coding strand, the reverse complement: SLC25A13 is on the minus strand); duplicating any 5 consecutive bases within chr7:96,121,952-96,121,957 gives the same sequence; the c. name uses the placement nearest the transcript's 3' end. VCF-style (leftmost placement, unchanged base first): chr7-96121951-C-CGTCTT. GRCh37 (hg19) VCF-style: chr7-95751263-C-CGTCTT.
Other names: c.1636_1640dup, p.Leu549fs (NM_001160210.2); short protein forms L548fs, L549fs.
Identifiers: ClinVar variation 1351050 (VCV001351050.6), dbSNP rs2116384455, ClinGen allele CA2573142523.